The following is an entry in ClinVar:

NM_000170.3(GLDC):c.2345A>G (p.Asn782Ser)

Gene: GLDC (glycine decarboxylase; minus strand). Cytogenetic location: 9p24.1.
Variant type: single nucleotide variant.
Coding change: c.2345A>G on transcript NM_000170.3 (MANE Select); coding-DNA position 2345, A replaced by G.
Protein change: p.Asn782Ser; replaces asparagine 782 with serine.
Molecular consequence: missense variant.
Genome position (GRCh38, 1-based): chr9:6,553,480, T>C on the plus strand (A>G on the coding strand, the complement: GLDC is on the minus strand). VCF-style: chr9-6553480-T-C. GRCh37 (hg19) VCF-style: chr9-6553480-T-C.
Other names: short protein forms N782S.
Identifiers: ClinVar variation 2419822 (VCV002419822.2), dbSNP rs1264775700, ClinGen allele CA372878886.

ClinVar aggregate classification (germline): Uncertain significance (1 of 4 stars; one submission).

Conditions:
Glycine encephalopathy. Also called: Nonketotic hyperglycinemia; Non-ketotic hyperglycinemia. Identifiers: Orphanet 407, MedGen C0751748, MONDO:0011612, HP:0008288.

Allele frequency attached by ClinVar (database versions not stated): gnomAD exomes below 0.00001.
gnomAD v4.1: 6 of 1,613,774 alleles (0.00037%); highest among the groups gnomAD compares: Admixed American, 0.0033%; no homozygotes.

Submission:

Labcorp Genetics (formerly Invitae), Labcorp
Classification: Uncertain significance for Glycine encephalopathy. Last evaluated: 2022-05-12. Review status: criteria provided, single submitter. Criteria: Invitae Variant Classification Sherloc (09022015). Collection method: clinical testing. Allele origin: germline.
Comment: This sequence change replaces asparagine, which is neutral and polar, with serine, which is neutral and polar, at codon 782 of the GLDC protein (p.Asn782Ser). This variant is present in population databases (no rsID available, gnomAD 0.006%). This variant has not been reported in the literature in individuals affected with GLDC-related conditions. Advanced modeling of protein sequence and biophysical properties (such as structural, functional, and spatial information, amino acid conservation, physicochemical variation, residue mobility, and thermodynamic stability) performed at Invitae indicates that this missense variant is not expected to disrupt GLDC protein function. Algorithms developed to predict the effect of sequence changes on RNA splicing suggest that this variant may create or strengthen a splice site. In summary, the available evidence is currently insufficient to determine the role of this variant in disease. Therefore, it has been classified as a Variant of Uncertain Significance.